The following is an entry in ClinVar:

ClinVar aggregate classification (germline): Uncertain significance (1 of 4 stars; one submission).

Submission:

Labcorp Genetics (formerly Invitae), Labcorp
Classification: Uncertain significance. Last evaluated: 2024-10-31. Review status: criteria provided, single submitter. Criteria: Invitae Variant Classification Sherloc (09022015). Collection method: clinical testing. Allele origin: germline.
Comment: This sequence change replaces proline, which is neutral and non-polar, with alanine, which is neutral and non-polar, at codon 409 of the NCSTN protein (p.Pro409Ala). This variant is not present in population databases (gnomAD no frequency). This variant has not been reported in the literature in individuals affected with NCSTN-related conditions. ClinVar contains an entry for this variant (Variation ID: 1345240). Invitae Evidence Modeling of protein sequence and biophysical properties (such as structural, functional, and spatial information, amino acid conservation, physicochemical variation, residue mobility, and thermodynamic stability) indicates that this missense variant is not expected to disrupt NCSTN protein function with a negative predictive value of 80%. In summary, the available evidence is currently insufficient to determine the role of this variant in disease. Therefore, it has been classified as a Variant of Uncertain Significance.

NM_015331.3(NCSTN):c.1225C>G (p.Pro409Ala)

Gene: NCSTN (nicastrin; plus strand). Cytogenetic location: 1q23.2.
Variant type: single nucleotide variant.
Coding change: c.1225C>G on transcript NM_015331.3 (MANE Select); coding-DNA position 1225, C replaced by G.
Protein change: p.Pro409Ala; replaces proline 409 with alanine.
Molecular consequence: missense variant.
Genome position (GRCh38, 1-based): chr1:160,354,163, C>G. VCF-style: chr1-160354163-C-G. GRCh37 (hg19) VCF-style: chr1-160323953-C-G.
Other names: c.1165C>G, p.Pro389Ala (NM_001290184.2); c.811C>G, p.Pro271Ala (NM_001290186.2); c.1225C>G, p.Pro409Ala (NM_001349729.2); short protein forms P271A, P409A, P389A.
Identifiers: ClinVar variation 1345240 (VCV001345240.6), dbSNP rs775923899, ClinGen allele CA343281426.